The following is an entry in ClinVar:

NM_001733.7(C1R):c.1218C>T (p.Cys406=)

Gene: C1R (complement C1r; minus strand). Cytogenetic location: 12p13.31.
Variant type: single nucleotide variant.
Coding change: c.1218C>T on transcript NM_001733.7 (MANE Select); coding-DNA position 1218, C replaced by T.
Protein change: p.Cys406=; no amino-acid change (cysteine 406 retained).
Molecular consequence: synonymous variant.
Genome position (GRCh38, 1-based): chr12:7,085,916, G>A on the plus strand (C>T on the coding strand, the complement: C1R is on the minus strand). VCF-style: chr12-7085916-G-A.
Other names: p.His406=; c.1260C>T, p.Cys420= (NM_001354346.2).
Identifiers: ClinVar variation 3895860 (VCV003895860.2).

ClinVar aggregate classification (germline): Benign/Likely benign. Review status: criteria provided, multiple submitters, no conflicts (2 of 4 stars). 2 submissions from 2 submitters: Benign (1); Likely benign (1). Last evaluated 2025-11-05.

Submissions (2):

Mayo Clinic Laboratories, Mayo Clinic
Classification: Likely benign. Last evaluated: 2025-11-05. Review status: criteria provided, single submitter. Criteria: ACMG Guidelines, 2015. Collection method: clinical testing. Allele origin: germline. Observed: 1 variant allele.
Comment: BS1, BP4, BP7

Women's Health and Genetics/Laboratory Corporation of America, LabCorp
Classification: Benign. Last evaluated: 2025-03-03. Review status: criteria provided, single submitter. Criteria: LabCorp Variant Classification Summary - May 2015. Collection method: clinical testing. Allele origin: germline.